The following is an entry in ClinVar:

ClinVar aggregate classification (germline): Benign (1 of 4 stars; one submission).

Allele frequency attached by ClinVar (database versions not stated): gnomAD 0.02569 and 0.02765; 1000 Genomes Project 0.02815; TOPMed 0.02881; 1000 Genomes Project 30x 0.03061.
gnomAD v4.1: 3,877 of 152,294 alleles (2.5%); highest among the groups gnomAD compares: African/African-American, 8.9%; 182 homozygotes.

Submission:

GeneDx
Classification: Benign. Last evaluated: 2018-06-14. Review status: criteria provided, single submitter. Criteria: GeneDx Variant Classification (06012015). Collection method: clinical testing. Allele origin: germline. Affected: yes.
Comment: This variant is considered likely benign or benign based on one or more of the following criteria: it is a conservative change, it occurs at a poorly conserved position in the protein, it is predicted to be benign by multiple in silico algorithms, and/or has population frequency not consistent with disease.

NM_000814.6(GABRB3):c.835+153C>T

Gene: GABRB3 (gamma-aminobutyric acid type A receptor subunit beta3; minus strand). Cytogenetic location: 15q12.
Variant type: single nucleotide variant.
Coding change: c.835+153C>T on transcript NM_000814.6 (MANE Select); 153 bases into the intron after coding-DNA position 835, C replaced by T.
Molecular consequence: intron variant.
Genome position (GRCh38, 1-based): chr15:26,567,428, G>A on the plus strand (C>T on the coding strand, the complement: GABRB3 is on the minus strand). VCF-style: chr15-26567428-G-A. GRCh37 (hg19) VCF-style: chr15-26812575-G-A.
Other names: c.835+153C>T (NM_021912.5); c.580+153C>T (NM_001278631.2, NM_001191320.2); c.622+153C>T (NM_001191321.3).
Identifiers: ClinVar variation 677339 (VCV000677339.1), dbSNP rs13379559, ClinGen allele CA268155360.